The following is an entry in ClinVar:

NM_004820.5(CYP7B1):c.259+10A>T

Gene: CYP7B1 (cytochrome P450 family 7 subfamily B member 1; minus strand). Cytogenetic location: 8q12.3.
Variant type: single nucleotide variant.
Coding change: c.259+10A>T on transcript NM_004820.5 (MANE Select); 10 bases into the intron after coding-DNA position 259, A replaced by T.
Molecular consequence: intron variant.
Genome position (GRCh38, 1-based): chr8:64,624,393, T>A on the plus strand (A>T on the coding strand, the complement: CYP7B1 is on the minus strand). VCF-style: chr8-64624393-T-A. GRCh37 (hg19) VCF-style: chr8-65536950-T-A.
Other names: c.259+10A>T (NM_001324112.2, NM_004820.4).
Identifiers: ClinVar variation 2767993 (VCV002767993.5), dbSNP rs1028371909, ClinGen allele CA178391926.

ClinVar aggregate classification (germline): Likely benign. Review status: criteria provided, single submitter (1 of 4 stars). 2 submissions from 2 submitters: Likely benign (1). 1 of the submissions does not count toward it. Last evaluated 2026-01-06.

Conditions:
CYP7B1-related disorder. Also called: CYP7B1-related condition.
Spastic paraplegia. Identifiers: MedGen C0037772, HP:0001258.

Allele frequency attached by ClinVar (database versions not stated): gnomAD exomes below 0.00001; TOPMed below 0.00001.
gnomAD v4.1: 6 of 1,613,290 alleles (0.00037%); highest among the groups gnomAD compares: East Asian, 0.0045%; no homozygotes.

Submissions (2):

Labcorp Genetics (formerly Invitae), Labcorp
Classification: Likely benign for Spastic paraplegia. Last evaluated: 2026-01-06. Review status: criteria provided, single submitter. Criteria: Invitae Variant Classification Sherloc (09022015). Collection method: clinical testing. Allele origin: germline.

PreventionGenetics, part of Exact Sciences
Classification: Likely benign for CYP7B1-related condition. Last evaluated: 2019-03-11. Review status: no assertion criteria provided. Collection method: clinical testing. Allele origin: germline. Not counted in ClinVar's aggregate classification.
Comment: This variant is classified as likely benign based on ACMG/AMP sequence variant interpretation guidelines (Richards et al. 2015 PMID: 25741868, with internal and published modifications).